The following is an entry in ClinVar:

ClinVar aggregate classification (germline): Uncertain significance (1 of 4 stars; one submission).

Conditions:
Peripheral neuropathy-myopathy-hoarseness-hearing loss syndrome. Identifiers: Orphanet 397744, MedGen C3280556, MONDO:0013711, OMIM 614369.

gnomAD v4.1: 19 of 1,612,948 alleles (0.0012%); highest among the groups gnomAD compares: Admixed American, 0.0067%; no homozygotes.

Submission:

Neuberg Centre For Genomic Medicine, NCGM
Classification: Uncertain significance for Peripheral neuropathy-myopathy-hoarseness-hearing loss syndrome. Review status: criteria provided, single submitter. Criteria: ACMG Guidelines, 2015. Collection method: clinical testing. Allele origin: germline. Inheritance: Autosomal dominant inheritance. Affected: yes.
Comment: The observed missense c.4609C>T p.Arg1537Trp variant in MYH14 gene has not been reported previously as a pathogenic variant nor as a benign variant, to our knowledge. The p.Arg1537Trp variant is present with allele frequency of 0.003% in gnomAD Exomes. This variant has not been submitted to the ClinVar database. Multiple lines of computational evidence Polyphen - Probably Damaging, SIFT - Damaging and MutationTaster - Disease causing predict a damaging effect on protein structure and function for this variant. The reference amino acid of p.Arg1537Trp in MYH14 is predicted as conserved by GERP++ and PhyloP across 100 vertebrates. The amino acid Arg at position 1537 is changed to a Trp changing protein sequence and it might alter its composition and physico-chemical properties. For these reasons, this variant has been classified as a Variant of Uncertain Significance VUS.

NM_001145809.2(MYH14):c.4609C>T (p.Arg1537Trp)

Gene: MYH14 (myosin heavy chain 14; plus strand). Cytogenetic location: 19q13.33.
Variant type: single nucleotide variant.
Coding change: c.4609C>T on transcript NM_001145809.2 (MANE Select); coding-DNA position 4609, C replaced by T.
Protein change: p.Arg1537Trp; replaces arginine 1537 with tryptophan.
Molecular consequence: missense variant.
Genome position (GRCh38, 1-based): chr19:50,286,551, C>T. VCF-style: chr19-50286551-C-T. GRCh37 (hg19) VCF-style: chr19-50789808-C-T.
Other names: c.4510C>T, p.Arg1504Trp (NM_001077186.2); c.4486C>T, p.Arg1496Trp (NM_024729.4); short protein forms R1496W, R1504W, R1537W.
Identifiers: ClinVar variation 3391366 (VCV003391366.1).